The following is an entry in ClinVar:

NM_000229.2(LCAT):c.737T>C (p.Val246Ala)

Gene: LCAT (lecithin-cholesterol acyltransferase; minus strand). Cytogenetic location: 16q22.1.
Variant type: single nucleotide variant.
Coding change: c.737T>C on transcript NM_000229.2 (MANE Select); coding-DNA position 737, T replaced by C.
Protein change: p.Val246Ala; replaces valine 246 with alanine.
Molecular consequence: missense variant.
Genome position (GRCh38, 1-based): chr16:67,942,374, A>G on the plus strand (T>C on the coding strand, the complement: LCAT is on the minus strand). VCF-style: chr16-67942374-A-G. GRCh37 (hg19) VCF-style: chr16-67976277-A-G.
Other names: short protein forms V246A.
Identifiers: ClinVar variation 2745544 (VCV002745544.3), dbSNP rs1248151956, ClinGen allele CA396377679.

ClinVar aggregate classification (germline): Uncertain significance (1 of 4 stars; one submission).

gnomAD v4.1: 1 of 1,613,826 alleles (0.000062%); no homozygotes.

Submission:

Labcorp Genetics (formerly Invitae), Labcorp
Classification: Uncertain significance. Last evaluated: 2024-05-07. Review status: criteria provided, single submitter. Criteria: Invitae Variant Classification Sherloc (09022015). Collection method: clinical testing. Allele origin: germline.
Comment: This sequence change replaces valine, which is neutral and non-polar, with alanine, which is neutral and non-polar, at codon 246 of the LCAT protein (p.Val246Ala). This variant is present in population databases (no rsID available, gnomAD 0.006%). This variant has not been reported in the literature in individuals affected with LCAT-related conditions. Advanced modeling of protein sequence and biophysical properties (such as structural, functional, and spatial information, amino acid conservation, physicochemical variation, residue mobility, and thermodynamic stability) performed at Invitae indicates that this missense variant is not expected to disrupt LCAT protein function with a negative predictive value of 80%. In summary, the available evidence is currently insufficient to determine the role of this variant in disease. Therefore, it has been classified as a Variant of Uncertain Significance.